The following is an entry in ClinVar:

NM_014014.5(SNRNP200):c.3133C>A (p.Pro1045Thr)

Gene: SNRNP200 (small nuclear ribonucleoprotein U5 subunit 200; minus strand). Cytogenetic location: 2q11.2.
Variant type: single nucleotide variant.
Coding change: c.3133C>A on transcript NM_014014.5 (MANE Select); coding-DNA position 3133, C replaced by A.
Protein change: p.Pro1045Thr; replaces proline 1045 with threonine.
Molecular consequence: missense variant.
Genome position (GRCh38, 1-based): chr2:96,289,078, G>T on the plus strand (C>A on the coding strand, the complement: SNRNP200 is on the minus strand). VCF-style: chr2-96289078-G-T. GRCh37 (hg19) VCF-style: chr2-96954816-G-T.
Other names: short protein forms P1045T.
Identifiers: ClinVar variation 523502 (VCV000523502.12), dbSNP rs745733409, ClinGen allele CA1778550.
Genomic context (GRCh38, chr2:96,289,078, plus strand): 5'-AAAGAGGAGAGGAGCTCACCTTAGCACTGGGTTCCTCAATGCTCTCCTTTACAGGGATAG[G>T]CACCCTCTCCAGCAACTTCTGCAGCTCCAGCTTCTCCTCCTGCCACAAGGAGGAAAAGGT-3'
Protein context (NP_054733.2, residues 1035-1055): LELQKLLERV[Pro1045Thr]IPVKESIEEP

ClinVar aggregate classification (germline): Uncertain significance. Review status: criteria provided, multiple submitters, no conflicts (2 of 4 stars). 3 submissions from 3 submitters: Uncertain significance (2). 1 of the submissions does not count toward it. Last evaluated 2025-10-03.

Conditions:
SNRNP200-related disorder. Also called: SNRNP200-related condition.
Rod-cone dystrophy. Identifiers: MedGen C4551714, HP:0000510.

Allele frequency attached by ClinVar (database versions not stated): gnomAD 0.00001 and 0.00002; gnomAD exomes 0.00001; ExAC 0.00002; TOPMed 0.00002.
gnomAD v4.1: 19 of 1,613,120 alleles (0.0012%); highest among the groups gnomAD compares: Non-Finnish European, 0.0015%; no homozygotes.

Submissions (4):

Labcorp Genetics (formerly Invitae), Labcorp
Classification: Uncertain significance. Last evaluated: 2025-10-03. Review status: criteria provided, single submitter. Criteria: Invitae Variant Classification Sherloc (09022015). Collection method: clinical testing. Allele origin: germline.
Comment: This sequence change replaces proline, which is neutral and non-polar, with threonine, which is neutral and polar, at codon 1045 of the SNRNP200 protein (p.Pro1045Thr). The frequency data for this variant in the population databases is considered unreliable, as metrics indicate poor data quality at this position in the gnomAD database. This missense change has been observed in individuals with Leber congenital amaurosis and/or retinitis pigmentosa (PMID: 23847139, 27735924, 28559085). ClinVar contains an entry for this variant (Variation ID: 523502). Invitae Evidence Modeling of protein sequence and biophysical properties (such as structural, functional, and spatial information, amino acid conservation, physicochemical variation, residue mobility, and thermodynamic stability) has been performed for this missense variant. However, the output from this modeling did not meet the statistical confidence thresholds required to predict the impact of this variant on SNRNP200 protein function. In summary, the available evidence is currently insufficient to determine the role of this variant in disease. Therefore, it has been classified as a Variant of Uncertain Significance.

Centre for Mendelian Genomics, University Medical Centre Ljubljana
Classification: Uncertain significance for Rod-cone dystrophy. Last evaluated: 2017-01-01. Review status: criteria provided, single submitter. Criteria: ACMG Guidelines, 2015. Collection method: clinical testing. Allele origin: unknown. Affected: yes.

PreventionGenetics, part of Exact Sciences
Classification: Uncertain significance for SNRNP200-related condition. Last evaluated: 2024-07-17. Review status: no assertion criteria provided. Collection method: clinical testing. Allele origin: germline. Not counted in ClinVar's aggregate classification.
Comment: The SNRNP200 c.3133C>A variant is predicted to result in the amino acid substitution p.Pro1045Thr. This variant has been reported in the homozygous state in individuals with Leber congenital amaurosis (Wang et al. 2013. PubMed ID: 23847139; Stone et al. 2017. PubMed ID: 28559085), and in the hemizygous state due to a deletion of the opposite allele in an individual with retinal disease (Bujakowska et al. 2016. PubMed ID: 27735924). This variant is reported in 0.0027% of alleles in individuals of European (Non-Finnish) descent in gnomAD. While pathogenic variants in SNRNP200 are most commonly associated with autosomal dominant disease, the evidence presented thus far indicate that the c.3133C>A (p.Pro1045Thr) may be associated with autosomal recessive disease. Although we suspect that this variant may be pathogenic for autosomal recessive disease, at this time, the clinical significance of this variant is uncertain due to the absence of conclusive functional and genetic evidence.

Dr. Peter K. Rogan Lab, Western University
No classification provided (evidence only). Condition: Ovarian serous cystadenocarcinoma. Review status: no classification provided. Collection method: in vitro. Allele origin: not applicable. Functional consequence: retained intron. Not counted in ClinVar's aggregate classification.

Literature cited by the submitters: PubMed 23847139 (cited by Labcorp Genetics (formerly Invitae), Labcorp); PubMed 27735924 (cited by Labcorp Genetics (formerly Invitae), Labcorp); PubMed 28559085 (cited by Labcorp Genetics (formerly Invitae), Labcorp).